The following is an entry in ClinVar:

NM_000077.5(CDKN2A):c.458-22G>A

Gene: CDKN2A (cyclin dependent kinase inhibitor 2A; minus strand). Cytogenetic location: 9p21.3.
Variant type: single nucleotide variant.
Coding change: c.458-22G>A on transcript NM_000077.5 (MANE Select); 22 bases into the intron before coding-DNA position 458, G replaced by A.
Molecular consequence: intron variant.
Genome position (GRCh38, 1-based): chr9:21,968,264, C>T on the plus strand (G>A on the coding strand, the complement: CDKN2A is on the minus strand). VCF-style: chr9-21968264-C-T. GRCh37 (hg19) VCF-style: chr9-21968263-C-T.
Other names: c.305-22G>A (NM_001363763.2); c.*102-22G>A (NM_058195.4); c.*151-22G>A (NM_001195132.2); c.*381-22G>A (NM_058197.5).
Identifiers: ClinVar variation 4294283 (VCV004294283.1).

ClinVar aggregate classification (germline): Benign (1 of 4 stars; one submission).

Conditions:
Melanoma-pancreatic cancer syndrome. Identifiers: Orphanet 404560, MedGen C1838547, MONDO:0011713, OMIM 606719. Disease mechanism: loss of function.

Submission:

Myriad Genetics, Inc.
Classification: Benign for Melanoma-pancreatic cancer syndrome. Last evaluated: 2025-08-18. Review status: criteria provided, single submitter. Criteria: Myriad Autosomal Dominant, Autosomal Recessive and X-Linked Classification Criteria (2023). Collection method: clinical testing. Allele origin: unknown.
Comment: This variant is considered benign. This variant is intronic and is not expected to impact mRNA splicing.